The following is an entry in ClinVar:

NM_000465.4(BARD1):c.1495C>G (p.His499Asp)

Gene: BARD1 (BRCA1 associated RING domain 1; minus strand). Cytogenetic location: 2q35.
Variant type: single nucleotide variant.
Coding change: c.1495C>G on transcript NM_000465.4 (MANE Select); coding-DNA position 1495, C replaced by G.
Protein change: p.His499Asp; replaces histidine 499 with aspartic acid.
Molecular consequence: missense variant. On other transcripts: non-coding transcript variant (3), intron variant (3).
Genome position (GRCh38, 1-based): chr2:214,767,555, G>C on the plus strand (C>G on the coding strand, the complement: BARD1 is on the minus strand). VCF-style: chr2-214767555-G-C. GRCh37 (hg19) VCF-style: chr2-215632279-G-C.
Other names: c.1438C>G, p.His480Asp (NM_001282543.2); c.159-15000C>G (NM_001282548.2); c.216-15000C>G (NM_001282545.2); c.364+24742C>G (NM_001282549.2); short protein forms H499D, H480D.
Identifiers: ClinVar variation 481389 (VCV000481389.8), dbSNP rs748867360, ClinGen allele CA64779945.

ClinVar aggregate classification (germline): Uncertain significance. Review status: criteria provided, multiple submitters, no conflicts (2 of 4 stars). 3 submissions from 3 submitters: Uncertain significance (3). Last evaluated 2025-08-29.

Conditions:
Hereditary cancer-predisposing syndrome. Also called: Hereditary Cancer Syndrome; Neoplastic Syndromes, Hereditary; Tumor predisposition; Hereditary neoplastic syndrome. Identifiers: Orphanet 140162, MedGen C0027672, MeSH D009386, MONDO:0015356.
Familial cancer of breast. Also called: BREAST CANCER, FAMILIAL; Hereditary breast cancer; hereditary breast carcinoma. Identifiers: Orphanet 227535, MedGen C0346153, MONDO:0016419, OMIM 114480. Disease mechanism: loss of function.

gnomAD v4.1: 1 of 1,614,050 alleles (0.000062%); highest among the groups gnomAD compares: Non-Finnish European, 0.000085%; no homozygotes.

Submissions (3):

Labcorp Genetics (formerly Invitae), Labcorp
Classification: Uncertain significance for Familial cancer of breast. Last evaluated: 2025-08-29. Review status: criteria provided, single submitter. Criteria: Invitae Variant Classification Sherloc (09022015). Collection method: clinical testing. Allele origin: germline.
Comment: This sequence change replaces histidine, which is basic and polar, with aspartic acid, which is acidic and polar, at codon 499 of the BARD1 protein (p.His499Asp). This variant is not present in population databases (gnomAD no frequency). This variant has not been reported in the literature in individuals affected with BARD1-related conditions. ClinVar contains an entry for this variant (Variation ID: 481389). An algorithm developed to predict the effect of missense changes on protein structure and function (PolyPhen-2) suggests that this variant is likely to be disruptive. In summary, the available evidence is currently insufficient to determine the role of this variant in disease. Therefore, it has been classified as a Variant of Uncertain Significance.

Fulgent Genetics
Classification: Uncertain significance for Familial cancer of breast. Last evaluated: 2018-10-31. Review status: criteria provided, single submitter. Criteria: ACMG Guidelines, 2015. Collection method: clinical testing. Allele origin: unknown.

Ambry Genetics
Classification: Uncertain significance for Hereditary cancer-predisposing syndrome. Last evaluated: 2016-08-15. Review status: criteria provided, single submitter. Criteria: Ambry Variant Classification Scheme 2023. Collection method: clinical testing. Allele origin: germline.
Comment: The p.H499D variant (also known as c.1495C>G), located in coding exon 6 of the BARD1 gene, results from a C to G substitution at nucleotide position 1495. The histidine at codon 499 is replaced by aspartic acid, an amino acid with similar properties. This variant was not reported in population based cohorts in the following databases: Database of Single Nucleotide Polymorphisms (dbSNP), NHLBI Exome Sequencing Project (ESP), and 1000 Genomes Project. In the ESP, this variant was not observed in 6503 samples (13006 alleles) with coverage at this position. To date, this alteration has been detected with an allele frequency of approximately 0.001% (greater than 175000 alleles tested) in our clinical cohort. This amino acid position is highly conserved in available vertebrate species. In addition, this alteration is predicted to be deleterious by in silico analysis. Since supporting evidence is limited at this time, the clinical significance of this alteration remains unclear.